The following is an entry in ClinVar:

NM_001987.5(ETV6):c.926G>A (p.Arg309Gln)

Gene: ETV6 (ETS variant transcription factor 6; plus strand). Cytogenetic location: 12p13.2.
Variant type: single nucleotide variant.
Coding change: c.926G>A on transcript NM_001987.5 (MANE Select); coding-DNA position 926, G replaced by A.
Protein change: p.Arg309Gln; replaces arginine 309 with glutamine.
Molecular consequence: missense variant.
Genome position (GRCh38, 1-based): chr12:11,869,886, G>A. VCF-style: chr12-11869886-G-A. GRCh37 (hg19) VCF-style: chr12-12022820-G-A.
Other names: c.923G>A, p.Arg308Gln (NM_001413913.1); c.899G>A, p.Arg300Gln (NM_001413914.1); c.662G>A, p.Arg221Gln (NM_001413915.1); c.926G>A, p.Arg309Gln (NM_001413916.1, NM_001413917.1); short protein forms R221Q, R300Q, R308Q, R309Q.
Identifiers: ClinVar variation 3510613 (VCV003510613.2).
Genomic context (GRCh38, chr12:11,869,886, plus strand): 5'-AGTCCAGGCTCTCCGAGGACGGGCTGCATAGGGAAGGGAAGCCCATCAACCTCTCTCATC[G>A]GGAAGACCTGGCTTACATGAACCACATCATGGTCTCTGTCTCCCCGCCTGAAGAGCACGC-3'
Protein context (NP_001978.1, residues 299-319): REGKPINLSH[Arg309Gln]EDLAYMNHIM

ClinVar aggregate classification (germline): Uncertain significance. Review status: criteria provided, multiple submitters, no conflicts (2 of 4 stars). 2 submissions from 2 submitters: Uncertain significance (2). Last evaluated 2024-10-04.

Conditions:
Inborn genetic diseases. Identifiers: MedGen C0950123, MeSH D030342.

gnomAD v4.1: 16 of 1,612,602 alleles (0.00099%); highest among the groups gnomAD compares: East Asian, 0.013%; no homozygotes.

Submissions (2):

Ambry Genetics
Classification: Uncertain significance for Inborn genetic diseases. Last evaluated: 2024-10-04. Review status: criteria provided, single submitter. Criteria: Ambry Variant Classification Scheme 2023. Collection method: clinical testing. Allele origin: germline.
Comment: The p.R309Q variant (also known as c.926G>A), located in coding exon 5 of the ETV6 gene, results from a G to A substitution at nucleotide position 926. The arginine at codon 309 is replaced by glutamine, an amino acid with highly similar properties. This amino acid position is conserved. In addition, this alteration is predicted to be tolerated by in silico analysis. Based on the available evidence, the clinical significance of this variant remains unclear.

Blueprint Genetics
Classification: Uncertain significance. Last evaluated: 2022-09-14. Review status: criteria provided, single submitter. Criteria: ACMG Guidelines, 2015. Collection method: clinical testing. Allele origin: germline.